The following is an entry in ClinVar:

NM_001113226.3(NTNG1):c.381C>G (p.Pro127=)

Gene: NTNG1 (netrin G1; plus strand). Cytogenetic location: 1p13.3.
Variant type: single nucleotide variant.
Coding change: c.381C>G on transcript NM_001113226.3 (MANE Select); coding-DNA position 381, C replaced by G.
Protein change: p.Pro127=; no amino-acid change (proline 127 retained).
Molecular consequence: synonymous variant.
Genome position (GRCh38, 1-based): chr1:107,324,416, C>G. VCF-style: chr1-107324416-C-G. GRCh37 (hg19) VCF-style: chr1-107867038-C-G.
Other names: c.381C>G, p.Pro127= (NM_001113228.3, NM_001312688.2, NM_001330665.2 and 7 more transcripts).
Identifiers: ClinVar variation 738290 (VCV000738290.6), dbSNP rs143347360, ClinGen allele CA977542.

ClinVar aggregate classification (germline): Benign. Review status: criteria provided, multiple submitters, no conflicts (2 of 4 stars). 3 submissions from 3 submitters: Benign (2). 1 of the submissions does not count toward it. Last evaluated 2018-03-30.

Conditions:
NTNG1-related disorder. Also called: NTNG1-related condition.

Allele frequency attached by ClinVar (database versions not stated): gnomAD exomes 0.00038 and 0.00101; ExAC 0.00131; gnomAD 0.00287; TOPMed 0.00384; ESP Exome Variant Server 0.00392; 1000 Genomes Project 0.00559; 1000 Genomes Project 30x 0.00593.
gnomAD v4.1: 1,114 of 1,613,822 alleles (0.069%); highest among the groups gnomAD compares: African/African-American, 1.3%; 4 homozygotes.

Submissions (3):

Labcorp Genetics (formerly Invitae), Labcorp
Classification: Benign. Last evaluated: 2018-03-30. Review status: criteria provided, single submitter. Criteria: Invitae Variant Classification Sherloc (09022015). Collection method: clinical testing. Allele origin: germline.

Breakthrough Genomics
Classification: Benign. Review status: criteria provided, single submitter. Criteria: ACMG Guidelines, 2015. Collection method: not provided. Allele origin: germline. Inheritance: Unknown mechanism. Affected: yes.

PreventionGenetics, part of Exact Sciences
Classification: Benign for NTNG1-related condition. Last evaluated: 2019-12-16. Review status: no assertion criteria provided. Collection method: clinical testing. Allele origin: germline. Not counted in ClinVar's aggregate classification.
Comment: This variant is classified as benign based on ACMG/AMP sequence variant interpretation guidelines (Richards et al. 2015 PMID: 25741868, with internal and published modifications).